The following is an entry in ClinVar:

ClinVar aggregate classification (germline): Uncertain significance (1 of 4 stars; one submission).

Conditions:
Familial adenomatous polyposis 1 (FAP1). Also called: FAMILIAL ADENOMATOUS POLYPOSIS 1, ATTENUATED; POLYPOSIS, ADENOMATOUS INTESTINAL. Identifiers: MedGen C2713442, MONDO:0021056, OMIM 175100. Disease mechanism: loss of function.

Submission:

Labcorp Genetics (formerly Invitae), Labcorp
Classification: Uncertain significance for Familial adenomatous polyposis 1. Last evaluated: 2026-01-16. Review status: criteria provided, single submitter. Criteria: Invitae Variant Classification Sherloc (09022015). Collection method: clinical testing. Allele origin: germline.
Comment: This sequence change replaces aspartic acid, which is acidic and polar, with histidine, which is basic and polar, at codon 328 of the APC protein (p.Asp328His). This variant is not present in population databases (gnomAD no frequency). This variant has not been reported in the literature in individuals affected with APC-related conditions. Invitae Evidence Modeling of protein sequence and biophysical properties (such as structural, functional, and spatial information, amino acid conservation, physicochemical variation, residue mobility, and thermodynamic stability) indicates that this missense variant is not expected to disrupt APC protein function with a negative predictive value of 95%. In summary, the available evidence is currently insufficient to determine the role of this variant in disease. Therefore, it has been classified as a Variant of Uncertain Significance.

NM_000038.6(APC):c.982G>C (p.Asp328His)

Gene: APC (APC regulator of Wnt signaling pathway; plus strand). Cytogenetic location: 5q22.2.
Variant type: single nucleotide variant.
Coding change: c.982G>C on transcript NM_000038.6 (MANE Select); coding-DNA position 982, G replaced by C.
Protein change: p.Asp328His; replaces aspartic acid 328 with histidine.
Molecular consequence: missense variant. On other transcripts: non-coding transcript variant (2), intron variant (15).
Genome position (GRCh38, 1-based): chr5:112,819,014, G>C. VCF-style: chr5-112819014-G-C. GRCh37 (hg19) VCF-style: chr5-112154711-G-C.
Other names: c.982G>C, p.Asp328His (NM_001127510.3, NM_001354895.2, NM_001354896.2 and 4 more transcripts); c.928G>C, p.Asp310His (NM_001127511.3); c.1012G>C, p.Asp338His (NM_001354897.2, NM_001407446.1); c.907G>C, p.Asp303His (NM_001354898.2, NM_001407451.1); c.898G>C, p.Asp300His (NM_001354899.2, NM_001407452.1); c.805G>C, p.Asp269His (NM_001354900.2, NM_001354901.2, NM_001407453.1); c.133G>C, p.Asp45His (NM_001354906.2, NM_001407470.1); c.85-255G>C (NM_001407472.1, NM_001407471.1); and 5 more; short protein forms D269H, D300H, D303H, D310H, D328H, D338H, D45H.
Identifiers: ClinVar variation 4801442 (VCV004801442.1).